The following is an entry in ClinVar:

NM_002291.3(LAMB1):c.4237G>A (p.Gly1413Arg)

Gene: LAMB1 (laminin subunit beta 1; minus strand). Cytogenetic location: 7q31.1.
Variant type: single nucleotide variant.
Coding change: c.4237G>A on transcript NM_002291.3 (MANE Select); coding-DNA position 4237, G replaced by A.
Protein change: p.Gly1413Arg; replaces glycine 1413 with arginine.
Molecular consequence: missense variant.
Genome position (GRCh38, 1-based): chr7:107,932,329, C>T on the plus strand (G>A on the coding strand, the complement: LAMB1 is on the minus strand). VCF-style: chr7-107932329-C-T. GRCh37 (hg19) VCF-style: chr7-107572774-C-T.
Other names: short protein forms G1413R.
Identifiers: ClinVar variation 1433658 (VCV001433658.8), dbSNP rs369198991, ClinGen allele CA4435091.
Genomic context (GRCh38, chr7:107,932,329, plus strand): 5'-GACCACCACAGCCAGGCCCCCCACACTTCCTCTCTCCTTCGTCAGTTCTGCAGTTTGGCC[C>T]GCCACATTCAGTCTCGGAACAGGAGGCCCCTGGGGGTGTTCCACAGGTCTGCAACAAGCC-3'
Protein context (NP_002282.2, residues 1403-1423): GASCSETECG[Gly1413Arg]PNCRTDEGER

ClinVar aggregate classification (germline): Uncertain significance. Review status: criteria provided, multiple submitters, no conflicts (2 of 4 stars). 3 submissions from 3 submitters: Uncertain significance (3). Last evaluated 2024-01-03.

Conditions:
Cobblestone lissencephaly without muscular or ocular involvement. Also called: LEUKOENCEPHALOPATHY WITH VARIABLE CORTICAL BRAIN MALFORMATIONS AND/OR HYDROCEPHALUS; Lissencephaly 5. Identifiers: Orphanet 352682, MedGen C3554657, MONDO:0014077, OMIM 615191.
Inborn genetic diseases. Identifiers: MedGen C0950123, MeSH D030342.

Allele frequency attached by ClinVar (database versions not stated): gnomAD exomes 0.00001; ExAC 0.00002; TOPMed 0.00003; gnomAD 0.00004; ESP Exome Variant Server 0.00015.
gnomAD v4.1: 30 of 1,614,058 alleles (0.0019%); highest among the groups gnomAD compares: African/African-American, 0.008%; no homozygotes.

Submissions (3):

Ambry Genetics
Classification: Uncertain significance for Inborn genetic diseases. Last evaluated: 2024-01-03. Review status: criteria provided, single submitter. Criteria: Ambry Variant Classification Scheme 2023. Collection method: clinical testing. Allele origin: germline.

Labcorp Genetics (formerly Invitae), Labcorp
Classification: Uncertain significance. Last evaluated: 2021-12-02. Review status: criteria provided, single submitter. Criteria: Invitae Variant Classification Sherloc (09022015). Collection method: clinical testing. Allele origin: germline.
Comment: In summary, the available evidence is currently insufficient to determine the role of this variant in disease. Therefore, it has been classified as a Variant of Uncertain Significance. Algorithms developed to predict the effect of missense changes on protein structure and function (SIFT, PolyPhen-2, Align-GVGD) all suggest that this variant is likely to be disruptive. This variant has not been reported in the literature in individuals affected with LAMB1-related conditions. This variant is present in population databases (rs369198991, gnomAD 0.01%). This sequence change replaces glycine, which is neutral and non-polar, with arginine, which is basic and polar, at codon 1413 of the LAMB1 protein (p.Gly1413Arg).

Victorian Clinical Genetics Services, Murdoch Childrens Research Institute
Classification: Uncertain significance for Cobblestone lissencephaly without muscular or ocular involvement. Last evaluated: 2020-10-19. Review status: criteria provided, single submitter. Criteria: ACMG Guidelines, 2015. Collection method: clinical testing. Allele origin: germline. Inheritance: Autosomal recessive inheritance. Affected: yes.
Comment: Based on the classification scheme VCGS_Germline_v1.1.1, this variant is classified as VUS - 3B. Following criteria are met: 0102 - Loss-of-function is a known mechanism of disease for this gene. (N) 0106 - This gene is known to be associated with autosomal recessive disease. (N) 0200 - Variant is predicted to result in a missense amino acid change from glycine to arginine (exon 28). (N) 0251 - Variant is heterozygous. (N) 0304 - Variant is present in gnomAD v3 <0.01 for a recessive condition (5 heterozygotes, 0 homozygotes). (P) 0309 - An alternative amino acid change at the same position has been observed in gnomAD v2 (3 heterozygotes, 0 homozygotes). (N) 0501 - Missense variant consistently predicted to be damaging by multiple in silico tools or highly conserved with a major amino acid change. (P) 0604 - Variant is not located in an established domain, motif, hotspot or informative constraint region. (N) 0705 - No comparable variants have previous evidence for pathogenicity. (N) 0807 - Variant has not previously been reported in a clinical context. (N) 0905 - No segregation evidence has been identified for this variant. (N) 1007 - No published functional evidence has been identified for this variant. (N) 1208 - Inheritance information for this variant is not currently available. (N) Legend: (P) - Pathogenic, (N) - Neutral, (B) - Benign